The following is an entry in ClinVar:

ClinVar aggregate classification (germline): Uncertain significance (1 of 4 stars; one submission).

Conditions:
Inborn genetic diseases. Identifiers: MedGen C0950123, MeSH D030342.

Submission:

Ambry Genetics
Classification: Uncertain significance for Inborn genetic diseases. Last evaluated: 2023-12-25. Review status: criteria provided, single submitter. Criteria: Ambry Variant Classification Scheme 2023. Collection method: clinical testing. Allele origin: germline.
Comment: The p.M740V variant (also known as c.2218A>G), located in coding exon 14 of the EPAS1 gene, results from an A to G substitution at nucleotide position 2218. The methionine at codon 740 is replaced by valine, an amino acid with highly similar properties. This amino acid position is conserved. In addition, the in silico prediction for this alteration is inconclusive. Since supporting evidence is limited at this time, the clinical significance of this alteration remains unclear.

NM_001430.5(EPAS1):c.2218A>G (p.Met740Val)

Gene: EPAS1 (endothelial PAS domain protein 1; plus strand). Cytogenetic location: 2p21.
Variant type: single nucleotide variant.
Coding change: c.2218A>G on transcript NM_001430.5 (MANE Select); coding-DNA position 2218, A replaced by G.
Protein change: p.Met740Val; replaces methionine 740 with valine.
Molecular consequence: missense variant.
Genome position (GRCh38, 1-based): chr2:46,382,020, A>G. VCF-style: chr2-46382020-A-G. GRCh37 (hg19) VCF-style: chr2-46609159-A-G.
Other names: short protein forms M740V.
Identifiers: ClinVar variation 3221613 (VCV003221613.1), dbSNP rs2546480096, ClinGen allele CA346705791.
Genomic context (GRCh38, chr2:46,382,020, plus strand): 5'-CCTTCTTACTCCCAGGGGGACCCACCTGGTGGCAGCACCTCACATTTGATGTGGAAACGG[A>G]TGAAGAACCTCAGGGGTGGGAGCTGCCCTTTGATGCCGGACAAGCCACTGAGCGCAAATG-3'
Protein context (NP_001421.2, residues 730-750): GSTSHLMWKR[Met740Val]KNLRGGSCPL